The following is an entry in ClinVar:

ClinVar aggregate classification (germline): Benign/Likely benign. Review status: criteria provided, multiple submitters, no conflicts (2 of 4 stars). 2 submissions from 2 submitters: Benign (1); Likely benign (1). Last evaluated 2025-03-05.

Allele frequency attached by ClinVar (database versions not stated): gnomAD 0.00208; TOPMed 0.00225; ExAC 0.00068; 1000 Genomes Project 30x 0.00141; ESP Exome Variant Server 0.00208; gnomAD exomes 0.00017; 1000 Genomes Project 0.00160.
gnomAD v4.1: 561 of 1,614,184 alleles (0.035%); highest among the groups gnomAD compares: African/African-American, 0.69%; 1 homozygote.

Submissions (2):

Women's Health and Genetics/Laboratory Corporation of America, LabCorp
Classification: Benign. Last evaluated: 2025-03-05. Review status: criteria provided, single submitter. Criteria: LabCorp Variant Classification Summary - May 2015. Collection method: clinical testing. Allele origin: germline.
Comment: Variant summary: VWF c.3674+8A>G alters a nucleotide located close to a canonical splice site and therefore could affect mRNA splicing, leading to a significantly altered protein sequence. Consensus agreement among computation tools predict no significant impact on normal splicing. However, these predictions have yet to be confirmed by functional studies. The variant allele was found at a frequency of 0.00056 in 251396 control chromosomes, predominantly at a frequency of 0.0079 within the African or African-American subpopulation in the gnomAD database, including 1 homozygotes. The observed variant frequency within African or African-American control individuals in the gnomAD database exceeds the estimated maximal expected allele frequency for a pathogenic variant in VWF causing Von Willebrand Disease phenotype. To our knowledge, no occurrence of c.3674+8A>G in individuals affected with Von Willebrand Disease and no experimental evidence demonstrating its impact on protein function have been reported. ClinVar contains an entry for this variant (Variation ID: 2581491). Based on the evidence outlined above, the variant was classified as benign.

Mayo Clinic Laboratories, Mayo Clinic
Classification: Likely benign. Last evaluated: 2024-12-04. Review status: criteria provided, single submitter. Criteria: ACMG Guidelines, 2015. Collection method: clinical testing. Allele origin: germline. Observed: 1 variant allele.
Comment: BP4, BP7

NM_000552.5(VWF):c.3674+8A>G

Gene: VWF (von Willebrand factor; minus strand). Cytogenetic location: 12p13.31.
Variant type: single nucleotide variant.
Coding change: c.3674+8A>G on transcript NM_000552.5 (MANE Select); 8 bases into the intron after coding-DNA position 3674, A replaced by G.
Molecular consequence: intron variant.
Genome position (GRCh38, 1-based): chr12:6,021,892, T>C on the plus strand (A>G on the coding strand, the complement: VWF is on the minus strand). VCF-style: chr12-6021892-T-C. GRCh37 (hg19) VCF-style: chr12-6131058-T-C.
Other names: p.?.
Identifiers: ClinVar variation 2581491 (VCV002581491.3), dbSNP rs185727822, ClinGen allele CA6402719.